The following is an entry in ClinVar:

ClinVar aggregate classification (germline): Pathogenic/Likely pathogenic. Review status: criteria provided, multiple submitters, no conflicts (2 of 4 stars). 4 submissions from 4 submitters: Pathogenic (2); Likely pathogenic (2). Last evaluated 2025-11-17.

Conditions:
Mitochondrial DNA depletion syndrome 1. Also called: Mitochondrial neurogastrointestinal encephalomyopathy syndrome; Mitochondrial DNA Depletion Syndrome, MNGIE Form; POLIP SYNDROME; POLYNEUROPATHY, OPHTHALMOPLEGIA, LEUKOENCEPHALOPATHY, AND INTESTINAL PSEUDOOBSTRUCTION; Mitochondrial DNA depletion syndrome 1 (MNGIE type); Mitochondrial Neurogastrointestinal Encephalopathy Disease. Identifiers: Orphanet 298, MedGen C4551995, MONDO:0011283, OMIM 603041.
Mitochondrial neurogastrointestinal encephalomyopathy. Also called: MNGIE syndrome; Thymidine phosphorylase deficiency; Mitochondrial neurogastrointestinal encephalopathy syndrome. Identifiers: Orphanet 298, MedGen C0872218, MONDO:0017575.

Submissions (4):

Natera, Inc.
Classification: Likely pathogenic for Mitochondrial neurogastrointestinal encephalomyopathy. Last evaluated: 2025-11-17. Review status: criteria provided, single submitter. Criteria: Natera Variant Classification Schema (03/2026). Collection method: clinical testing. Allele origin: germline.
Comment: The c.323G>A variant in TYMP is a nonsense variant predicted to introduce a stop codon at amino acid 108. This variant is expected to result in nonsense mediated decay, truncation, or a dysfunctional protein product. This variant is rare in the general population with a frequency below the threshold expected for the associated phenotype(s). Given the available evidence, this variant is classified as Likely Pathogenic.

Labcorp Genetics (formerly Invitae), Labcorp
Classification: Pathogenic. Last evaluated: 2025-05-08. Review status: criteria provided, single submitter. Criteria: Invitae Variant Classification Sherloc (09022015). Collection method: clinical testing. Allele origin: germline.
Comment: This sequence change creates a premature translational stop signal (p.Trp108*) in the TYMP gene. It is expected to result in an absent or disrupted protein product. Loss-of-function variants in TYMP are known to be pathogenic (PMID: 9924029, 15781193). This variant is not present in population databases (gnomAD no frequency). This variant has not been reported in the literature in individuals affected with TYMP-related conditions. ClinVar contains an entry for this variant (Variation ID: 1804073). For these reasons, this variant has been classified as Pathogenic.

Baylor Genetics
Classification: Likely pathogenic for Mitochondrial DNA depletion syndrome 1. Last evaluated: 2023-07-02. Review status: criteria provided, single submitter. Criteria: ACMG Guidelines, 2015. Collection method: clinical testing. Allele origin: unknown.

Institute of Human Genetics Munich, TUM University Hospital
Classification: Pathogenic for Mitochondrial DNA depletion syndrome 1. Last evaluated: 2021-06-23. Review status: criteria provided, single submitter. Criteria: Classification criteria August 2017. Collection method: clinical testing. Allele origin: germline. Inheritance: Autosomal recessive inheritance. Affected: yes. Observed: 1 variant allele.

Literature cited by the submitters: PubMed 9924029 (cited by Labcorp Genetics (formerly Invitae), Labcorp); PubMed 15781193 (cited by Labcorp Genetics (formerly Invitae), Labcorp).

NM_001953.5(TYMP):c.323G>A (p.Trp108Ter)

Gene: TYMP (thymidine phosphorylase; minus strand). Cytogenetic location: 22q13.33.
Variant type: single nucleotide variant.
Coding change: c.323G>A on transcript NM_001953.5 (MANE Select); coding-DNA position 323, G replaced by A.
Protein change: p.Trp108Ter; replaces tryptophan 108 with a stop codon.
Molecular consequence: nonsense.
Genome position (GRCh38, 1-based): chr22:50,529,230, C>T on the plus strand (G>A on the coding strand, the complement: TYMP is on the minus strand). VCF-style: chr22-50529230-C-T. GRCh37 (hg19) VCF-style: chr22-50967659-C-T.
Other names: c.323G>A (NM_001953.4); c.323G>A, p.Trp108Ter (NM_001113755.3, NM_001113756.3, NM_001257988.1 and 1 more transcripts); short protein forms W108*.
Identifiers: ClinVar variation 1804073 (VCV001804073.8), dbSNP rs2522546758, ClinGen allele CA412202089.